The following is an entry in ClinVar:

ClinVar aggregate classification (germline): Likely benign. Review status: criteria provided, multiple submitters, no conflicts (2 of 4 stars). 3 submissions from 3 submitters: Likely benign (3). Last evaluated 2025-11-12.

Conditions:
PRDM13-related disorder. Also called: PRDM13-related condition.

Allele frequency attached by ClinVar (database versions not stated): ExAC 0.00001; gnomAD exomes 0.00001; gnomAD 0.00003; TOPMed 0.00004.
gnomAD v4.1: 69 of 1,613,852 alleles (0.0043%); highest among the groups gnomAD compares: Non-Finnish European, 0.0056%; no homozygotes.

Submissions (3):

PreventionGenetics, part of Exact Sciences
Classification: Likely benign for PRDM13-related condition. Last evaluated: 2025-11-12. Review status: criteria provided, single submitter. Criteria: ACMG Guidelines, 2015. Collection method: clinical testing. Allele origin: germline.
Comment: This variant is classified as likely benign based on ACMG/AMP sequence variant interpretation guidelines (Richards et al. 2015 PMID: 25741868, with internal and published modifications).

Labcorp Genetics (formerly Invitae), Labcorp
Classification: Likely benign. Last evaluated: 2022-09-15. Review status: criteria provided, single submitter. Criteria: Invitae Variant Classification Sherloc (09022015). Collection method: clinical testing. Allele origin: germline.

Blueprint Genetics
Classification: Likely benign. Last evaluated: 2021-10-06. Review status: criteria provided, single submitter. Criteria: ACMG Guidelines, 2015. Collection method: clinical testing. Allele origin: germline.

NM_021620.4(PRDM13):c.105G>A (p.Lys35=)

Gene: PRDM13 (PR/SET domain 13; plus strand). Cytogenetic location: 6q16.2.
Variant type: single nucleotide variant.
Coding change: c.105G>A on transcript NM_021620.4 (MANE Select); coding-DNA position 105, G replaced by A.
Protein change: p.Lys35=; no amino-acid change (lysine 35 retained).
Molecular consequence: synonymous variant.
Genome position (GRCh38, 1-based): chr6:99,607,139, G>A. VCF-style: chr6-99607139-G-A. GRCh37 (hg19) VCF-style: chr6-100055015-G-A.
Other names: c.105G>A (NM_021620.3).
Identifiers: ClinVar variation 1122640 (VCV001122640.11), dbSNP rs200290740, ClinGen allele CA3936091.
Genomic context (GRCh38, chr6:99,607,139, plus strand): 5'-CTGCTGCATCCCGGCCGGCTTGCGCCTCGGACCGGTGCCTGGTACCTTCAAGCTGGGCAA[G>A]TACCTGTCAGACCGCAGGGAGCCCGGGCCTAAGAAAAAGGTATTGACCATTCAGACCTCT-3'
Protein context (NP_067633.2, residues 25-45): GPVPGTFKLG[Lys35=]YLSDRREPGP